The following is an entry in ClinVar:

ClinVar aggregate classification (germline): Uncertain significance (1 of 4 stars; one submission).

Allele frequency attached by ClinVar (database versions not stated): gnomAD exomes below 0.00001; TOPMed below 0.00001; gnomAD 0.00001.

Submission:

Labcorp Genetics (formerly Invitae), Labcorp
Classification: Uncertain significance. Last evaluated: 2024-01-09. Review status: criteria provided, single submitter. Criteria: Invitae Variant Classification Sherloc (09022015). Collection method: clinical testing. Allele origin: germline.
Comment: This sequence change replaces glutamine, which is neutral and polar, with histidine, which is basic and polar, at codon 480 of the FLAD1 protein (p.Gln480His). This variant is not present in population databases (gnomAD no frequency). This variant has not been reported in the literature in individuals affected with FLAD1-related conditions. ClinVar contains an entry for this variant (Variation ID: 1946765). An algorithm developed to predict the effect of missense changes on protein structure and function (PolyPhen-2) suggests that this variant¬†is likely to be tolerated. In summary, the available evidence is currently insufficient to determine the role of this variant in disease. Therefore, it has been classified as a Variant of Uncertain Significance.

NM_025207.5(FLAD1):c.1440G>C (p.Gln480His)

Gene: FLAD1 (flavin adenine dinucleotide synthetase 1; plus strand). Cytogenetic location: 1q21.3.
Variant type: single nucleotide variant.
Coding change: c.1440G>C on transcript NM_025207.5 (MANE Select); coding-DNA position 1440, G replaced by C.
Protein change: p.Gln480His; replaces glutamine 480 with histidine.
Molecular consequence: missense variant.
Genome position (GRCh38, 1-based): chr1:154,990,414, G>C. VCF-style: chr1-154990414-G-C. GRCh37 (hg19) VCF-style: chr1-154962890-G-C.
Other names: c.1149G>C, p.Gln383His (NM_001184891.2, NM_201398.3); short protein forms Q480H, Q383H.
Identifiers: ClinVar variation 1946765 (VCV001946765.4), dbSNP rs1657809456, ClinGen allele CA342752502.